The following is an entry in ClinVar:

NM_000052.7(ATP7A):c.4225C>T (p.Leu1409Phe)

Gene: ATP7A (ATPase copper transporting alpha; plus strand). Cytogenetic location: Xq21.1.
Variant type: single nucleotide variant.
Coding change: c.4225C>T on transcript NM_000052.7 (MANE Select); coding-DNA position 4225, C replaced by T.
Protein change: p.Leu1409Phe; replaces leucine 1409 with phenylalanine.
Molecular consequence: missense variant. On other transcripts: non-coding transcript variant (1).
Genome position (GRCh38, 1-based): chrX:78,045,571, C>T. VCF-style: chrX-78045571-C-T. GRCh37 (hg19) VCF-style: chrX-77301068-C-T.
Other names: c.3991C>T, p.Leu1331Phe (NM_001282224.2); short protein forms L1331F, L1409F.
Identifiers: ClinVar variation 4086587 (VCV004086587.1).
Genomic context (GRCh38, chrX:78,045,571, plus strand): 5'-GGATCTGCAGCAATGGCTGCTTCATCTGTTTCTGTAGTACTTTCTTCTCTCTTCCTTAAA[C>T]TGTAAGTATGATAGCTTGCTCACATTTGTATTTTGTATTCCTGTTATCATCTAGTCATTC-3'
Protein context (NP_000043.4, residues 1399-1419): SVVLSSLFLK[Leu1409Phe]YRKPTYESYE

ClinVar aggregate classification (germline): Uncertain significance (1 of 4 stars; one submission).

gnomAD v4.1: 6 of 1,186,662 alleles (0.00051%); highest among the groups gnomAD compares: Non-Finnish European, 0.00046%; no homozygotes.

Submission:

GeneDx
Classification: Uncertain significance. Last evaluated: 2025-03-19. Review status: criteria provided, single submitter. Criteria: GeneDx Variant Classification Process June 2021. Collection method: clinical testing. Allele origin: germline. Affected: yes.
Comment: Has not been previously published as pathogenic or benign to our knowledge; Not observed at significant frequency in large population cohorts (gnomAD); In silico analysis indicates that this missense variant does not alter protein structure/function